The following is an entry in ClinVar:

NM_001318852.2(MAPK8IP3):c.2242G>A (p.Glu748Lys)

Gene: MAPK8IP3 (mitogen-activated protein kinase 8 interacting protein 3; plus strand). Cytogenetic location: 16p13.3.
Variant type: single nucleotide variant.
Coding change: c.2242G>A on transcript NM_001318852.2 (MANE Select); coding-DNA position 2242, G replaced by A.
Protein change: p.Glu748Lys; replaces glutamic acid 748 with lysine.
Molecular consequence: missense variant.
Genome position (GRCh38, 1-based): chr16:1,764,421, G>A. VCF-style: chr16-1764421-G-A. GRCh37 (hg19) VCF-style: chr16-1814422-G-A.
Other names: c.2221G>A, p.Glu741Lys (NM_001040439.2); c.2239G>A, p.Glu747Lys (NM_015133.5); short protein forms E741K, E747K, E748K.
Identifiers: ClinVar variation 5020513 (VCV005020513.1).

ClinVar aggregate classification (germline): Uncertain significance (1 of 4 stars; one submission).

gnomAD v4.1: 2 of 1,606,814 alleles (0.00012%); highest among the groups gnomAD compares: Non-Finnish European, 0.000085%; no homozygotes.

Submission:

Dasa
Classification: Uncertain significance. Last evaluated: 2026-05-21. Review status: criteria provided, single submitter. Criteria: DASA Assertion Criteria. Collection method: clinical testing. Allele origin: germline.
Comment: NM_001318852.2(MAPK8IP3):c.2242G>A (p.Glu748Lys) is a missense variant that results in the substitution of glutamic acid with lysine. This variant is rare in population databases. Computational prediction algorithms are consistent with a benign effect. The currently available literature and clinical evidence are not sufficient to establish a definitive association between this variant and the reported condition. Therefore, this variant is classified as a variant of uncertain significance.